The following is an entry in ClinVar:

ClinVar aggregate classification (germline): Uncertain significance (1 of 4 stars; one submission).

Conditions:
Arrhythmogenic right ventricular cardiomyopathy (ARVD). Also called: Arrhythmogenic right ventricular dysplasia; Cardiomyopathy, ARVC; Arrhythmogenic cardiomyopathy; Arrhythmogenic Right Ventricular Cardiomyopathy (ARVC). Identifiers: Orphanet 247, MedGen C0349788, MeSH D019571, MONDO:0016587. Disease mechanism: loss of function. Inheritance: Various modes of inheritance.

Submission:

All of Us Research Program, National Institutes of Health
Classification: Uncertain significance for Arrhythmogenic right ventricular cardiomyopathy. Last evaluated: 2023-10-02. Review status: criteria provided, single submitter. Criteria: ACMG Guidelines, 2015. Collection method: clinical testing. Allele origin: germline. Inheritance: Autosomal dominant inheritance. Observed: 1 variant allele, 1 heterozygote.
Comment: This missense variant replaces aspartic acid with glycine at codon 63 of the DSG2 protein. Computational prediction suggests that this variant may not impact protein structure and function (internally defined REVEL score threshold <= 0.5, PMID: 27666373). To our knowledge, functional studies have not been reported for this variant. This variant has not been reported in individuals affected with DSG2-related disorders in the literature. This variant has not been identified in the general population by the Genome Aggregation Database (gnomAD). The available evidence is insufficient to determine the role of this variant in disease conclusively. Therefore, this variant is classified as a Variant of Uncertain Significance.

This study involves interpretation of variants in research participants for the purpose of population health screening. Participant phenotype was not available at the time of variant classification. Additional details can be found in publication PMID: 35346344, PMCID: PMC8962531

NM_001943.5(DSG2):c.188A>G (p.Asp63Gly)

Gene: DSG2 (desmoglein 2; plus strand). Cytogenetic location: 18q12.1.
Variant type: single nucleotide variant.
Coding change: c.188A>G on transcript NM_001943.5 (MANE Select); coding-DNA position 188, A replaced by G.
Protein change: p.Asp63Gly; replaces aspartic acid 63 with glycine.
Molecular consequence: missense variant.
Genome position (GRCh38, 1-based): chr18:31,519,909, A>G. VCF-style: chr18-31519909-A-G. GRCh37 (hg19) VCF-style: chr18-29099872-A-G.
Other names: short protein forms D63G.
Identifiers: ClinVar variation 3073601 (VCV003073601.1), dbSNP rs1568104869, ClinGen allele CA402130951.
Genomic context (GRCh38, chr18:31,519,909, plus strand): 5'-ATTTAGTGCGGCAAAAGCGCGCCTGGATCACCGCCCCCGTGGCTCTTCGGGAGGGAGAGG[A>G]TCTGTCCAAGAAGAATCCAATTGCCAAGGTACCTCCTAAAGAGGAACATGAAATACATGC-3'
Protein context (NP_001934.2, residues 53-73): TAPVALREGE[Asp63Gly]LSKKNPIAKI